The following is an entry in ClinVar:

NM_000540.3(RYR1):c.12340T>C (p.Ser4114Pro)

Gene: RYR1 (ryanodine receptor 1; plus strand). Cytogenetic location: 19q13.2.
Variant type: single nucleotide variant.
Coding change: c.12340T>C on transcript NM_000540.3 (MANE Select); coding-DNA position 12340, T replaced by C.
Protein change: p.Ser4114Pro; replaces serine 4114 with proline.
Molecular consequence: missense variant.
Genome position (GRCh38, 1-based): chr19:38,561,170, T>C. VCF-style: chr19-38561170-T-C. GRCh37 (hg19) VCF-style: chr19-39051810-T-C.
Other names: c.12325T>C, p.Ser4109Pro (NM_001042723.2); short protein forms S4109P, S4114P.
Identifiers: ClinVar variation 3074395 (VCV003074395.2), dbSNP rs2514652321, ClinGen allele CA405668214.

ClinVar aggregate classification (germline): Uncertain significance. Review status: criteria provided, multiple submitters, no conflicts (2 of 4 stars). 2 submissions from 2 submitters: Uncertain significance (2). Last evaluated 2023-12-12.

Conditions:
Malignant hyperthermia, susceptibility to, 1 (MHS1). Also called: Anesthesia related hyperthermia; Malignant hyperpyrexia; Fulminating hyperpyrexia; Pharmacogenic myopathy; RYR1-Related Malignant Hyperthermia Susceptibility; Malignant hyperthermia suceptibility 1. Identifiers: Orphanet 423, MedGen C2930980, MONDO:0007783, OMIM 145600.
Inborn genetic diseases. Identifiers: MedGen C0950123, MeSH D030342.

Allele frequency attached by ClinVar (database versions not stated): gnomAD exomes 0.00001.
gnomAD v4.1: 6 of 1,614,050 alleles (0.00037%); highest among the groups gnomAD compares: Non-Finnish European, 0.00051%; no homozygotes.

Submissions (2):

Ambry Genetics
Classification: Uncertain significance for Inborn genetic diseases. Last evaluated: 2023-12-12. Review status: criteria provided, single submitter. Criteria: Ambry Variant Classification Scheme 2023. Collection method: clinical testing. Allele origin: germline.

All of Us Research Program, National Institutes of Health
Classification: Uncertain significance for Malignant hyperthermia, susceptibility to, 1. Last evaluated: 2023-11-02. Review status: criteria provided, single submitter. Criteria: ACMG Guidelines, 2015. Collection method: clinical testing. Allele origin: germline. Inheritance: Autosomal dominant inheritance. Observed: 1 variant allele, 1 heterozygote.
Comment: This missense variant replaces serine with proline at codon 4114 of the RYR1 protein. Computational prediction suggests that this variant may not impact protein structure and function (internally defined REVEL score threshold <= 0.5, PMID: 27666373). To our knowledge, functional studies have not been reported for this variant. This variant has not been reported in individuals affected with RYR1-related disorders in the literature. This variant has not been identified in the general population by the Genome Aggregation Database (gnomAD). The available evidence is insufficient to determine the role of this variant in disease conclusively. Therefore, this variant is classified as a Variant of Uncertain Significance.

This study involves interpretation of variants in research participants for the purpose of population health screening. Participant phenotype was not available at the time of variant classification. Additional details can be found in publication PMID: 35346344, PMCID: PMC8962531